The following is an entry in ClinVar:

ClinVar aggregate classification (germline): Uncertain significance (1 of 4 stars; one submission).

Conditions:
Retinitis pigmentosa 12 (RP12). Also called: RP WITH OR WITHOUT PPRPE; RP WITH OR WITHOUT PRESERVED PARAARTERIOLE RETINAL PIGMENT EPITHELIUM; RETINITIS PIGMENTOSA WITH OR WITHOUT PARAARTERIOLAR PRESERVATION OF RETINAL PIGMENT EPITHELIUM. Identifiers: Orphanet 791, MedGen C1838647, MONDO:0010818, OMIM 600105.
Leber congenital amaurosis 8 (LCA8). Identifiers: Orphanet 65, MedGen C3151202, MONDO:0013453, OMIM 613835.

Allele frequency attached by ClinVar (database versions not stated): ExAC 0.00002; TOPMed 0.00007; gnomAD 0.00010; 1000 Genomes Project 0.00020; 1000 Genomes Project 30x 0.00031.
gnomAD v4.1: 28 of 1,614,070 alleles (0.0017%); highest among the groups gnomAD compares: African/African-American, 0.035%; no homozygotes.

Submission:

Labcorp Genetics (formerly Invitae), Labcorp
Classification: Uncertain significance for Leber congenital amaurosis 8; Retinitis pigmentosa 12. Last evaluated: 2024-12-02. Review status: criteria provided, single submitter. Criteria: Invitae Variant Classification Sherloc (09022015). Collection method: clinical testing. Allele origin: germline.
Comment: This sequence change replaces isoleucine, which is neutral and non-polar, with leucine, which is neutral and non-polar, at codon 106 of the CRB1 protein (p.Ile106Leu). This variant is present in population databases (rs116067724, gnomAD 0.02%). This variant has not been reported in the literature in individuals affected with CRB1-related conditions. ClinVar contains an entry for this variant (Variation ID: 2050720). Invitae Evidence Modeling of protein sequence and biophysical properties (such as structural, functional, and spatial information, amino acid conservation, physicochemical variation, residue mobility, and thermodynamic stability) has been performed for this missense variant. However, the output from this modeling did not meet the statistical confidence thresholds required to predict the impact of this variant on CRB1 protein function. In summary, the available evidence is currently insufficient to determine the role of this variant in disease. Therefore, it has been classified as a Variant of Uncertain Significance.

NM_201253.3(CRB1):c.316A>C (p.Ile106Leu)

Gene: CRB1 (crumbs cell polarity complex component 1; plus strand). Cytogenetic location: 1q31.3.
Variant type: single nucleotide variant.
Coding change: c.316A>C on transcript NM_201253.3 (MANE Select); coding-DNA position 316, A replaced by C.
Protein change: p.Ile106Leu; replaces isoleucine 106 with leucine.
Molecular consequence: missense variant. On other transcripts: non-coding transcript variant (2).
Genome position (GRCh38, 1-based): chr1:197,328,667, A>C. VCF-style: chr1-197328667-A-C. GRCh37 (hg19) VCF-style: chr1-197297797-A-C.
Other names: c.316A>C, p.Ile106Leu (NM_001193640.2, NM_001257966.2); c.109A>C, p.Ile37Leu (NM_001257965.2); short protein forms I37L, I106L.
Identifiers: ClinVar variation 2050720 (VCV002050720.3), dbSNP rs116067724, ClinGen allele CA1311615.
Genomic context (GRCh38, chr1:197,328,667, plus strand): 5'-GTGAACACCCCAGGAGAAAGGAGCTTTCTGTGCAAATGTCCTCCTGGGTACAGTGGGACA[A>C]TCTGTGAAACTACCATTGGTTCCTGTGGCAAGAACTCCTGCCAACATGGAGGTATTTGCC-3'
Protein context (NP_957705.1, residues 96-116): CKCPPGYSGT[Ile106Leu]CETTIGSCGK